The following is an entry in ClinVar:

NM_032383.5(HPS3):c.505delinsAAGCAT (p.Glu169fs)

Gene: HPS3 (HPS3 biogenesis of lysosomal organelles complex 2 subunit 1; plus strand). Cytogenetic location: 3q24.
Variant type: Indel.
Coding change: c.505delinsAAGCAT on transcript NM_032383.5 (MANE Select); coding-DNA position 505, G replaced by AAGCAT.
Protein change: p.Glu169fs; shifts the reading frame from glutamic acid 169.
Molecular consequence: frameshift variant. On other transcripts: intron variant (1).
Genome position (GRCh38, 1-based): chr3:149,140,291, G replaced by AAGCAT. VCF-style: chr3-149140291-G-AAGCAT. GRCh37 (hg19) VCF-style: chr3-148858078-G-AAGCAT.
Other names: c.218-726delinsAAGCAT (NM_001308258.2); short protein forms E169fs.
Identifiers: ClinVar variation 1724678 (VCV001724678.2), dbSNP rs2473069116, ClinGen allele CA2580068946.
Genomic context (GRCh38, chr3:149,140,291, plus strand): 5'-CTCGTTGGCTGCACAAATAAATTAGTCTTATTTAGTTTGAAGTACCAGATCATTAATGAG[G>AAGCAT]AATTCTCACTATTGGACTTTGAACGTTCTTTAATTATACACATAGATAATATCACTCCTG-3'

ClinVar aggregate classification (germline): Likely pathogenic (1 of 4 stars; one submission).

Conditions:
Hermansky-Pudlak syndrome 3 (HPS3). Identifiers: Orphanet 231512, Orphanet 79430, MedGen C3888001, MONDO:0013555, OMIM 614072.

Submission:

Myriad Genetics, Inc.
Classification: Likely pathogenic for Hermansky-Pudlak syndrome 3. Last evaluated: 2022-02-25. Review status: criteria provided, single submitter. Criteria: Myriad Women's Health Autosomal Recessive and X-Linked Classification Criteria (2021). Collection method: clinical testing. Allele origin: unknown.
Comment: NM_032383.3(HPS3):c.505del1ins6(E169Kfs*13) is expected to be pathogenic in the context of Hermansky-Pudlak syndrome type 3. This variant is predicted to lead to an abnormal or absent protein product due to the creation of a premature termination codon in HPS3, a gene where loss-of-function variants are known to be pathogenic. Please note: this variant was assessed in the context of healthy population screening.